The following is an entry in ClinVar:

ClinVar aggregate classification (germline): Benign (0 of 4 stars; one submission).

Conditions:
KIF4B-related disorder. Also called: KIF4B-related condition.

Allele frequency attached by ClinVar (database versions not stated): ESP Exome Variant Server 0.10549; TOPMed 0.10575; gnomAD 0.11200; 1000 Genomes Project 30x 0.11946; 1000 Genomes Project 0.12400; gnomAD exomes 0.14770.
gnomAD v4.1: 232,927 of 1,614,012 alleles (14%); highest among the groups gnomAD compares: South Asian, 20%; 17,997 homozygotes.

Submission:

PreventionGenetics, part of Exact Sciences
Classification: Benign for KIF4B-related condition. Last evaluated: 2019-04-01. Review status: no assertion criteria provided. Collection method: clinical testing. Allele origin: germline.
Comment: This variant is classified as benign based on ACMG/AMP sequence variant interpretation guidelines (Richards et al. 2015 PMID: 25741868, with internal and published modifications).

NM_001099293.3(KIF4B):c.2263G>A (p.Val755Ile)

Gene: KIF4B (kinesin family member 4B; plus strand). Cytogenetic location: 5q33.2.
Variant type: single nucleotide variant.
Coding change: c.2263G>A on transcript NM_001099293.3 (MANE Select); coding-DNA position 2263, G replaced by A.
Protein change: p.Val755Ile; replaces valine 755 with isoleucine.
Molecular consequence: missense variant.
Genome position (GRCh38, 1-based): chr5:155,016,122, G>A. VCF-style: chr5-155016122-G-A. GRCh37 (hg19) VCF-style: chr5-154395682-G-A.
Other names: short protein forms V755I.
Identifiers: ClinVar variation 3055323 (VCV003055323.2), dbSNP rs41390849, ClinGen allele CA3530166.